The following is an entry in ClinVar:

NM_000400.4(ERCC2):c.2270C>T (p.Ala757Val)

Gene: ERCC2 (ERCC excision repair 2, TFIIH core complex helicase subunit; minus strand). Cytogenetic location: 19q13.32.
Variant type: single nucleotide variant.
Coding change: c.2270C>T on transcript NM_000400.4 (MANE Select); coding-DNA position 2270, C replaced by T.
Protein change: p.Ala757Val; replaces alanine 757 with valine.
Molecular consequence: missense variant.
Genome position (GRCh38, 1-based): chr19:45,351,642, G>A on the plus strand (C>T on the coding strand, the complement: ERCC2 is on the minus strand). VCF-style: chr19-45351642-G-A. GRCh37 (hg19) VCF-style: chr19-45854900-G-A.
Other names: short protein forms A757V.
Identifiers: ClinVar variation 2566691 (VCV002566691.2), dbSNP rs1291427832, ClinGen allele CA406360220.
Genomic context (GRCh38, chr19:45,351,642, plus strand): 5'-AAGACTCAGGAGTCACCAGGAACCGTTTATGGCCCCACCCGCCCCACTCAGAGCTGCTGA[G>A]CAATCTGCTCTATCCTCTTCAGCGTCTCCTCTGATTCTAGCTGCTCCAGGCTGAGCAGGG-3'
Protein context (NP_000391.1, residues 747-760): EETLKRIEQI[Ala757Val]QQL

ClinVar aggregate classification (germline): Uncertain significance (1 of 4 stars; one submission).

Conditions:
Inborn genetic diseases. Identifiers: MedGen C0950123, MeSH D030342.

Allele frequency attached by ClinVar (database versions not stated): gnomAD exomes below 0.00001; gnomAD 0.00001.
gnomAD v4.1: 3 of 1,613,940 alleles (0.00019%); highest among the groups gnomAD compares: East Asian, 0.0022%; no homozygotes.

Submission:

Ambry Genetics
Classification: Uncertain significance for Inborn genetic diseases. Last evaluated: 2023-04-28. Review status: criteria provided, single submitter. Criteria: Ambry Variant Classification Scheme 2023. Collection method: clinical testing. Allele origin: germline.
Comment: The p.A757V variant (also known as c.2270C>T), located in coding exon 23 of the ERCC2 gene, results from a C to T substitution at nucleotide position 2270. The alanine at codon 757 is replaced by valine, an amino acid with similar properties. This amino acid position is conserved. In addition, the in silico prediction for this alteration is inconclusive. Since supporting evidence is limited at this time, the clinical significance of this alteration remains unclear.